The following is an entry in ClinVar:

NM_000071.3(CBS):c.1010T>G (p.Met337Arg)

Gene: CBS (cystathionine beta-synthase; minus strand). Cytogenetic location: 21q22.3.
Variant type: single nucleotide variant.
Coding change: c.1010T>G on transcript NM_000071.3 (MANE Select); coding-DNA position 1010, T replaced by G.
Protein change: p.Met337Arg; replaces methionine 337 with arginine.
Molecular consequence: missense variant.
Genome position (GRCh38, 1-based): chr21:43,062,340, A>C on the plus strand (T>G on the coding strand, the complement: CBS is on the minus strand). VCF-style: chr21-43062340-A-C. GRCh37 (hg19) VCF-style: chr21-44482450-A-C.
Other names: c.1010T>G, p.Met337Arg (NM_001178008.3, NM_001178009.3, NM_001320298.2); c.695T>G, p.Met232Arg (NM_001321072.1); short protein forms M232R, M337R.
Identifiers: ClinVar variation 3996158 (VCV003996158.1).

ClinVar aggregate classification (germline): Uncertain significance (1 of 4 stars; one submission).

Conditions:
Familial thoracic aortic aneurysm and aortic dissection (TAAD). Also called: Thoracic aortic aneurysms and dissections. Identifiers: Orphanet 91387, MedGen C4707243, MONDO:0019625.

Submission:

Ambry Genetics
Classification: Uncertain significance for Familial thoracic aortic aneurysm and aortic dissection. Last evaluated: 2025-06-05. Review status: criteria provided, single submitter. Criteria: Ambry Variant Classification Scheme 2023. Collection method: clinical testing. Allele origin: germline.
Comment: The p.M337R variant (also known as c.1010T>G), located in coding exon 9 of the CBS gene, results from a T to G substitution at nucleotide position 1010. The methionine at codon 337 is replaced by arginine, an amino acid with similar properties. This amino acid position is well conserved in available vertebrate species. In addition, this alteration is predicted to be deleterious by in silico analysis. Based on the available evidence, the clinical significance of this variant remains unclear.